The following is an entry in ClinVar:

NM_006904.7(PRKDC):c.2288C>G (p.Thr763Ser)

Gene: PRKDC (protein kinase, DNA-activated, catalytic subunit; minus strand). Cytogenetic location: 8q11.21.
Variant type: single nucleotide variant.
Coding change: c.2288C>G on transcript NM_006904.7 (MANE Select); coding-DNA position 2288, C replaced by G.
Protein change: p.Thr763Ser; replaces threonine 763 with serine.
Molecular consequence: missense variant.
Genome position (GRCh38, 1-based): chr8:47,927,325, G>C on the plus strand (C>G on the coding strand, the complement: PRKDC is on the minus strand). VCF-style: chr8-47927325-G-C. GRCh37 (hg19) VCF-style: chr8-48839885-G-C.
Other names: c.2288C>G, p.Thr763Ser (NM_001081640.2); short protein forms T763S.
Identifiers: ClinVar variation 1414031 (VCV001414031.8), dbSNP rs757271960, ClinGen allele CA371162083.

ClinVar aggregate classification (germline): Uncertain significance. Review status: criteria provided, multiple submitters, no conflicts (2 of 4 stars). 2 submissions from 2 submitters: Uncertain significance (2). Last evaluated 2022-03-16.

Conditions:
Severe combined immunodeficiency due to DNA-PKcs deficiency. Also called: Immunodeficiency 26 with or without neurologic abnormalities; IMMUNODEFICIENCY 26 WITH NEUROLOGIC ABNORMALITIES. Identifiers: Orphanet 317425, MedGen C4014833, MONDO:0014423, OMIM 615966.

gnomAD v4.1: 2 of 1,613,186 alleles (0.00012%); highest among the groups gnomAD compares: Admixed American, 0.0017%; no homozygotes.

Submissions (2):

Ambry Genetics
Classification: Uncertain significance. Last evaluated: 2022-03-16. Review status: criteria provided, single submitter. Criteria: Ambry Variant Classification Scheme 2023. Collection method: clinical testing. Allele origin: germline.
Comment: The p.T763S variant (also known as c.2288C>G), located in coding exon 21 of the PRKDC gene, results from a C to G substitution at nucleotide position 2288. The threonine at codon 763 is replaced by serine, an amino acid with similar properties. This amino acid position is conserved. In addition, this alteration is predicted to be tolerated by in silico analysis. Since supporting evidence is limited at this time, the clinical significance of this alteration remains unclear.

Labcorp Genetics (formerly Invitae), Labcorp
Classification: Uncertain significance for Severe combined immunodeficiency due to DNA-PKcs deficiency. Last evaluated: 2020-11-21. Review status: criteria provided, single submitter. Criteria: Invitae Variant Classification Sherloc (09022015). Collection method: clinical testing. Allele origin: germline.
Comment: In summary, the available evidence is currently insufficient to determine the role of this variant in disease. Therefore, it has been classified as a Variant of Uncertain Significance. Experimental studies and prediction algorithms are not available or were not evaluated, and the functional significance of this variant is currently unknown. This variant has not been reported in the literature in individuals with PRKDC-related conditions. This variant is not present in population databases (ExAC no frequency). This sequence change replaces threonine with serine at codon 763 of the PRKDC protein (p.Thr763Ser). The threonine residue is weakly conserved and there is a small physicochemical difference between threonine and serine.